The following is an entry in ClinVar:

ClinVar aggregate classification (germline): Uncertain significance. Review status: criteria provided, multiple submitters, no conflicts (2 of 4 stars). 2 submissions from 2 submitters: Uncertain significance (2). Last evaluated 2025-10-17.

Conditions:
Hereditary cancer-predisposing syndrome. Also called: Neoplastic Syndromes, Hereditary; Tumor predisposition; Hereditary Cancer Syndrome; Hereditary neoplastic syndrome. Identifiers: Orphanet 140162, MedGen C0027672, MeSH D009386, MONDO:0015356.
Ataxia-telangiectasia-like disorder (ATLD). Identifiers: MedGen C1858391, MONDO:0011457.

Allele frequency attached by ClinVar (database versions not stated): gnomAD exomes 0.00001.
gnomAD v4.1: 17 of 1,613,858 alleles (0.0011%); highest among the groups gnomAD compares: Non-Finnish European, 0.0014%; no homozygotes.

Submissions (2):

Ambry Genetics
Classification: Uncertain significance for Hereditary cancer-predisposing syndrome. Last evaluated: 2025-10-17. Review status: criteria provided, single submitter. Criteria: Ambry Variant Classification Scheme 2023. Collection method: clinical testing. Allele origin: germline.
Comment: The p.H152Y variant (also known as c.454C>T), located in coding exon 5 of the MRE11A gene, results from a C to T substitution at nucleotide position 454. The histidine at codon 152 is replaced by tyrosine, an amino acid with similar properties. This amino acid position is highly conserved in available vertebrate species. In addition, this alteration is predicted to be deleterious by in silico analysis. Since supporting evidence is limited at this time, the clinical significance of this alteration remains unclear.

Labcorp Genetics (formerly Invitae), Labcorp
Classification: Uncertain significance for Ataxia-telangiectasia-like disorder. Last evaluated: 2022-07-23. Review status: criteria provided, single submitter. Criteria: Invitae Variant Classification Sherloc (09022015). Collection method: clinical testing. Allele origin: germline.
Comment: This sequence change replaces histidine, which is basic and polar, with tyrosine, which is neutral and polar, at codon 152 of the MRE11 protein (p.His152Tyr). This variant is present in population databases (no rsID available, gnomAD 0.002%). This variant has not been reported in the literature in individuals affected with MRE11-related conditions. ClinVar contains an entry for this variant (Variation ID: 231205). Algorithms developed to predict the effect of missense changes on protein structure and function (SIFT, PolyPhen-2, Align-GVGD) all suggest that this variant is likely to be tolerated. In summary, the available evidence is currently insufficient to determine the role of this variant in disease. Therefore, it has been classified as a Variant of Uncertain Significance.

NM_005591.4(MRE11):c.454C>T (p.His152Tyr)

Gene: MRE11 (MRE11 double strand break repair nuclease; minus strand). Cytogenetic location: 11q21.
Variant type: single nucleotide variant.
Coding change: c.454C>T on transcript NM_005591.4 (MANE Select); coding-DNA position 454, C replaced by T.
Protein change: p.His152Tyr; replaces histidine 152 with tyrosine.
Molecular consequence: missense variant.
Genome position (GRCh38, 1-based): chr11:94,478,825, G>A on the plus strand (C>T on the coding strand, the complement: MRE11 is on the minus strand). VCF-style: chr11-94478825-G-A. GRCh37 (hg19) VCF-style: chr11-94211991-G-A.
Other names: c.454C>T, p.His152Tyr (NM_005590.4, NM_001330347.2); short protein forms H152Y.
Identifiers: ClinVar variation 231205 (VCV000231205.12), dbSNP rs876659023, ClinGen allele CA10579407.